The following is an entry in ClinVar:

ClinVar aggregate classification (germline): Uncertain significance (1 of 4 stars; one submission).

Conditions:
Arrhythmogenic cardiomyopathy with wooly hair and keratoderma. Also called: PALMOPLANTAR KERATODERMA WITH LEFT VENTRICULAR CARDIOMYOPATHY AND WOOLLY HAIR; Carvajal syndrome; Dilated cardiomyopathy with woolly hair and keratoderma; Arrhythmogenic cardiomyopathy with woolly hair and keratoderma. Identifiers: Orphanet 65282, MedGen C1854063, MONDO:0011581, OMIM 605676.

Submission:

All of Us Research Program, National Institutes of Health
Classification: Uncertain significance for Arrhythmogenic cardiomyopathy with wooly hair and keratoderma. Last evaluated: 2024-01-11. Review status: criteria provided, single submitter. Criteria: ACMG Guidelines, 2015. Collection method: clinical testing. Allele origin: germline. Inheritance: Autosomal dominant inheritance. Observed: 1 variant allele, 1 heterozygote.
Comment: This study involves interpretation of variants in research participants for the purpose of population health screening. Participant phenotype was not available at the time of variant classification. Additional details can be found in publication PMID: 35346344, PMCID: PMC8962531

NM_004415.4(DSP):c.8554_8555dup (p.Thr2853fs)

Gene: DSP (desmoplakin; plus strand). Cytogenetic location: 6p24.3.
Variant type: Duplication.
Coding change: c.8554_8555dup on transcript NM_004415.4 (MANE Select); coding-DNA positions 8554 to 8555, 2 bases duplicated (GC; older notation c.8554_8555dupGC).
Protein change: p.Thr2853fs; shifts the reading frame from threonine 2853.
Molecular consequence: frameshift variant.
Genome position (GRCh38, 1-based): chr6:7,585,816-7,585,817, GC duplicated; duplicating any 2 consecutive bases within chr6:7,585,815-7,585,817 gives the same sequence; the c. name uses the placement nearest the transcript's 3' end. VCF-style (leftmost placement, unchanged base first): chr6-7585814-A-ACG. GRCh37 (hg19) VCF-style: chr6-7586047-A-ACG.
Other names: c.6757_6758dup, p.Thr2254fs (NM_001008844.3); c.7225_7226dup, p.Thr2410fs (NM_001319034.2); short protein forms T2254fs, T2410fs, T2853fs.
Identifiers: ClinVar variation 3075327 (VCV003075327.1), dbSNP rs2533953040, ClinGen allele CA2825001491.